The following is an entry in ClinVar:

NM_004817.4(TJP2):c.1376T>C (p.Phe459Ser)

Gene: TJP2 (tight junction protein 2; plus strand). Cytogenetic location: 9q21.11.
Variant type: single nucleotide variant.
Coding change: c.1376T>C on transcript NM_004817.4 (MANE Select); coding-DNA position 1376, T replaced by C.
Protein change: p.Phe459Ser; replaces phenylalanine 459 with serine.
Molecular consequence: missense variant.
Genome position (GRCh38, 1-based): chr9:69,228,037, T>C. VCF-style: chr9-69228037-T-C. GRCh37 (hg19) VCF-style: chr9-71842953-T-C.
Other names: c.1307T>C, p.Phe436Ser (NM_001170414.2, NM_001369871.1); c.1388T>C, p.Phe463Ser (NM_001170415.1, NM_001369874.1, NM_001369875.1); c.1469T>C, p.Phe490Ser (NM_001170416.2); c.1301T>C, p.Phe434Ser (NM_001369870.1); c.1376T>C, p.Phe459Ser (NM_001369872.1, NM_001369873.1, NM_201629.3); short protein forms F463S, F459S, F434S, F436S, F490S.
Identifiers: ClinVar variation 4992481 (VCV004992481.1).

ClinVar aggregate classification (germline): Uncertain significance. Review status: criteria provided, multiple submitters, no conflicts (2 of 4 stars). 2 submissions from 2 submitters: Uncertain significance (2). Last evaluated 2026-03-17.

Conditions:
TJP2-related disorder. Also called: TJP2-related condition.

Submissions (2):

GeneDx
Classification: Uncertain significance. Last evaluated: 2026-03-17. Review status: criteria provided, single submitter. Criteria: GeneDx Variant Classification Process June 2021. Collection method: clinical testing. Allele origin: germline.
Comment: Has not been previously published as pathogenic or benign to our knowledge; Not observed at significant frequency in large population cohorts (gnomAD); In silico analysis supports that this missense variant has a deleterious effect on protein structure/function

PreventionGenetics, part of Exact Sciences
Classification: Uncertain significance for TJP2-related condition. Last evaluated: 2025-09-02. Review status: criteria provided, single submitter. Criteria: ACMG Guidelines, 2015. Collection method: clinical testing. Allele origin: germline.
Comment: The TJP2 c.1376T>C variant is predicted to result in the amino acid substitution p.Phe459Ser. To our knowledge, this variant has not been reported in the literature or in a large population database (gnomAD), indicating this variant is rare. At this time, the clinical significance of this variant is uncertain due to the absence of conclusive functional and genetic evidence.